The following is an entry in ClinVar:

ClinVar aggregate classification (germline): Uncertain significance (1 of 4 stars; one submission).

Submission:

GeneDx
Classification: Uncertain significance. Last evaluated: 2024-04-01. Review status: criteria provided, single submitter. Criteria: GeneDx Variant Classification Process June 2021. Collection method: clinical testing. Allele origin: germline. Affected: yes.
Comment: Not observed at significant frequency in large population cohorts (gnomAD); In silico analysis supports that this missense variant has a deleterious effect on protein structure/function; Has not been previously published as pathogenic or benign to our knowledge

NM_006766.5(KAT6A):c.4682A>C (p.Glu1561Ala)

Gene: KAT6A (lysine acetyltransferase 6A; minus strand). Cytogenetic location: 8p11.21.
Variant type: single nucleotide variant.
Coding change: c.4682A>C on transcript NM_006766.5 (MANE Select); coding-DNA position 4682, A replaced by C.
Protein change: p.Glu1561Ala; replaces glutamic acid 1561 with alanine.
Molecular consequence: missense variant.
Genome position (GRCh38, 1-based): chr8:41,933,538, T>G on the plus strand (A>C on the coding strand, the complement: KAT6A is on the minus strand). VCF-style: chr8-41933538-T-G. GRCh37 (hg19) VCF-style: chr8-41791056-T-G.
Other names: short protein forms E1561A.
Identifiers: ClinVar variation 3371687 (VCV003371687.1).
Genomic context (GRCh38, chr8:41,933,538, plus strand): 5'-CTGTTCCCACAGATGCTGCCGCCCATCGTGGAGTCGTAACTGCTTGGGTTCTCATAGTTT[T>G]CAGTGGTGCTCTCAATGCTGCCCAGGTCACTGAAGCCGCTGTCCACCACCTGCTGAGAGT-3'
Protein context (NP_006757.2, residues 1551-1571): SDLGSIESTT[Glu1561Ala]NYENPSSYDS